The following is an entry in ClinVar:

NM_152419.3(HGSNAT):c.1612T>C (p.Trp538Arg)

Gene: HGSNAT (heparan-alpha-glucosaminide N-acetyltransferase; plus strand). Cytogenetic location: 8p11.21.
Variant type: single nucleotide variant.
Coding change: c.1612T>C on transcript NM_152419.3 (MANE Select); coding-DNA position 1612, T replaced by C.
Protein change: p.Trp538Arg; replaces tryptophan 538 with arginine.
Molecular consequence: missense variant.
Genome position (GRCh38, 1-based): chr8:43,197,741, T>C. VCF-style: chr8-43197741-T-C. GRCh37 (hg19) VCF-style: chr8-43052884-T-C.
Other names: c.1699T>C, p.Trp567Arg (NM_001363227.2); c.1420T>C, p.Trp474Arg (NM_001363228.2); c.748T>C, p.Trp250Arg (NM_001363229.2); short protein forms W250R, W538R, W474R, W567R.
Identifiers: ClinVar variation 2040843 (VCV002040843.3), dbSNP rs1203092226, ClinGen allele CA371120586.

ClinVar aggregate classification (germline): Uncertain significance (1 of 4 stars; one submission).

Conditions:
Retinitis pigmentosa 73 (RP73). Identifiers: Orphanet 791, MedGen C4225287, MONDO:0014687, OMIM 616544.
Mucopolysaccharidosis, MPS-III-C (MPS3C). Also called: SANFILIPPO SYNDROME C; MPS III C; Mucopolysaccharidosis type IIIC (Sanfilippo C); MUCOPOLYSACCHARIDOSIS, TYPE IIIC; mucopolysaccharidosis type 3C; MPS IIIC (Sanfilippo Syndrome Type C). Identifiers: Orphanet 581, Orphanet 79271, MedGen C0086649, MONDO:0009657, OMIM 252930.

Allele frequency attached by ClinVar (database versions not stated): gnomAD exomes below 0.00001.
gnomAD v4.1: 1 of 1,611,494 alleles (0.000062%); highest among the groups gnomAD compares: Non-Finnish European, 0.000085%; no homozygotes.

Submission:

Labcorp Genetics (formerly Invitae), Labcorp
Classification: Uncertain significance for Retinitis pigmentosa 73; Mucopolysaccharidosis, MPS-III-C. Last evaluated: 2024-10-16. Review status: criteria provided, single submitter. Criteria: Invitae Variant Classification Sherloc (09022015). Collection method: clinical testing. Allele origin: germline.
Comment: This sequence change replaces tryptophan, which is neutral and slightly polar, with arginine, which is basic and polar, at codon 538 of the HGSNAT protein (p.Trp538Arg). This variant is present in population databases (no rsID available, gnomAD 0.0009%). This variant has not been reported in the literature in individuals affected with HGSNAT-related conditions. ClinVar contains an entry for this variant (Variation ID: 2040843). An algorithm developed to predict the effect of missense changes on protein structure and function (PolyPhen-2) suggests that this variant is likely to be disruptive. In summary, the available evidence is currently insufficient to determine the role of this variant in disease. Therefore, it has been classified as a Variant of Uncertain Significance.